The following is an entry in ClinVar:

ClinVar aggregate classification (germline): Likely benign. Review status: reviewed by expert panel (3 of 4 stars). 11 submissions from 11 submitters: Likely benign (1). 10 of the submissions do not count toward it. Last evaluated 2023-08-17.

Conditions:
CDH1-related disorder. Also called: CDH1-related condition.
CDH1-related diffuse gastric and lobular breast cancer syndrome. Also called: CDH1-related diffuse gastric and lobular breast cancer. Identifiers: MedGen CN311521, MONDO:0100488.
Hereditary cancer-predisposing syndrome. Also called: Neoplastic Syndromes, Hereditary; Tumor predisposition; Hereditary Cancer Syndrome; Hereditary neoplastic syndrome. Identifiers: Orphanet 140162, MedGen C0027672, MeSH D009386, MONDO:0015356.
Hereditary diffuse gastric adenocarcinoma (HDGC). Also called: DIFFUSE GASTRIC AND LOBULAR BREAST CANCER SYNDROME. Identifiers: Orphanet 26106, MedGen C1708349, MONDO:0007648, OMIM 137215.

Allele frequency attached by ClinVar (database versions not stated): ExAC 0.00001; gnomAD 0.00001; gnomAD exomes 0.00001 and 0.00002; TOPMed 0.00003; 1000 Genomes Project 30x 0.00016; 1000 Genomes Project 0.00020.
gnomAD v4.1: 24 of 1,613,720 alleles (0.0015%); highest among the groups gnomAD compares: Admixed American, 0.013%; 1 homozygote.

Submissions (11):

Clingen Gastric Cancer Variant Curation Expert Panel
Classification: Likely benign for CDH1-related diffuse gastric and lobular breast cancer syndrome. Last evaluated: 2023-08-17. Review status: reviewed by expert panel. Criteria: ClinGen CDH1 ACMG Specifications V3.1. Collection method: curation. Allele origin: germline. Inheritance: Autosomal dominant inheritance.
Comment: The NM_004360.5(CDH1):c.2053G>A (p.Val685Met) variant has been observed in >10 individuals without a diagnosis of diffuse gastric cancer, signet ring tumor or lobular breast cancer and whose family histories do not suggest HDGC (BS2; SCV000665065.2, SCV000278915.9, SCV000260925.4). In summary, the clinical significance of this variant is classified as likely benign based on BS2 alone. ACMG/AMP criteria applied, as specified by the CDH1 Variant Curation Expert Panel (Variant Interpretation Guidelines Version 3.1): BS2.

Labcorp Genetics (formerly Invitae), Labcorp
Classification: Likely benign for Hereditary diffuse gastric adenocarcinoma. Last evaluated: 2025-10-07. Review status: criteria provided, single submitter. Criteria: Invitae Variant Classification Sherloc (09022015). Collection method: clinical testing. Allele origin: germline. Not counted in ClinVar's aggregate classification.

Quest Diagnostics Nichols Institute San Juan Capistrano
Classification: Uncertain significance. Last evaluated: 2025-03-24. Review status: criteria provided, single submitter. Criteria: Quest Diagnostics criteria. Collection method: clinical testing. Allele origin: unknown. Not counted in ClinVar's aggregate classification.
Comment: The CDH1 c.2053G>A (p.Val685Met) variant has been reported in the published literature in individuals with breast cancer (PMID: 36436516 (2023), 31206626 (2019)) and prostate cancer (PMID: 29936259 (2018)), as well as in reportedly healthy individuals (PMID: 24728327 (2014), 33471991 (2021), see also LOVD). The frequency of this variant in the general population (Genome Aggregation Database) is uninformative in the assessment of its pathogenicity. Analysis of this variant using bioinformatics tools for the prediction of the effect of amino acid changes on protein structure and function yielded conflicting predictions that this variant is benign or damaging. Based on the available information, we are unable to determine the clinical significance of this variant.

PreventionGenetics, part of Exact Sciences
Classification: Likely benign for CDH1-related condition. Last evaluated: 2024-12-30. Review status: criteria provided, single submitter. Criteria: ACMG Guidelines, 2015. Collection method: clinical testing. Allele origin: germline. Not counted in ClinVar's aggregate classification.
Comment: This variant is classified as likely benign based on ACMG/AMP sequence variant interpretation guidelines (Richards et al. 2015 PMID: 25741868, with internal and published modifications).

Color Diagnostics, LLC DBA Color Health
Classification: Likely benign for Hereditary cancer-predisposing syndrome. Last evaluated: 2024-08-19. Review status: criteria provided, single submitter. Criteria: ACMG Guidelines, 2015. Collection method: clinical testing. Allele origin: germline. Not counted in ClinVar's aggregate classification.

European Reference Network on Genetic Tumour Risk Syndromes (ERN-GENTURIS), i3s - Instituto de Investigação e Inovação em Saúde, University of Porto
Classification: Likely benign for Hereditary diffuse gastric adenocarcinoma. Last evaluated: 2022-08-01. Review status: criteria provided, single submitter. Criteria: Lee et al. (Hum Mutat. 2018). Collection method: clinical testing. Allele origin: germline. Inheritance: Autosomal dominant inheritance. Affected: no. Study: ERN GENTURIS. Not counted in ClinVar's aggregate classification.
Comment: BS2 (PMID: 30311375)

Sema4
Classification: Uncertain significance for Hereditary cancer-predisposing syndrome. Last evaluated: 2022-03-06. Review status: criteria provided, single submitter. Criteria: Sema4 Curation Guidelines. Collection method: curation. Allele origin: germline. Not counted in ClinVar's aggregate classification.
Comment: To the best of our knowledge, the CDH1 c.2053G>A (p.V685M) variant has not been reported in individuals with CDH1-related disease. It was observed in 4/251468 chromosomes across all populations, in the large and broad cohorts of the Genome Aggregation Database (PMID: 32461654). The variant has been reported in ClinVar (Variation ID: 133847). Functional studies have not been performed, and in silico predictions of the variant's effect on protein function are inconclusive. There is no indication that this variant causes disease, but the evidence is insufficient currently to prove that conclusively. Thus, the clinical significance of this variant is currently uncertain.

Ambry Genetics
Classification: Likely benign for Hereditary cancer-predisposing syndrome. Last evaluated: 2020-11-17. Review status: criteria provided, single submitter. Criteria: Ambry Variant Classification Scheme 2023. Collection method: clinical testing. Allele origin: germline. Not counted in ClinVar's aggregate classification.

GeneDx
Classification: Likely benign. Last evaluated: 2020-11-06. Review status: criteria provided, single submitter. Criteria: GeneDx Variant Classification Process June 2021. Collection method: clinical testing. Allele origin: germline. Affected: yes. Not counted in ClinVar's aggregate classification.
Comment: Not observed at a significant frequency in large population cohorts (Lek et al., 2016); In silico analysis supports that this missense variant has a deleterious effect on protein structure/function; This variant is associated with the following publications: (PMID: 24728327, 29936259, 26926684)

Women's Health and Genetics/Laboratory Corporation of America, LabCorp
Classification: Uncertain significance. Last evaluated: 2020-03-20. Review status: criteria provided, single submitter. Criteria: LabCorp Variant Classification Summary - May 2015. Collection method: clinical testing. Allele origin: germline. Not counted in ClinVar's aggregate classification.
Comment: Variant summary: CDH1 c.2053G>A (p.Val685Met) results in a conservative amino acid change located in the Cadherin-like domain of the encoded protein sequence. Four of five in-silico tools predict a damaging effect of the variant on protein function. The variant allele was found at a frequency of 1.6e-05 in 251468 control chromosomes. The available data on variant occurrences in the general population are insufficient to allow any conclusion about variant significance. To our knowledge, no occurrence of c.2053G>A in individuals affected with Breast Cancer and no experimental evidence demonstrating its impact on protein function have been reported. Four clinical diagnostic laboratories have submitted clinical-significance assessments for this variant to ClinVar after 2014 without evidence for independent evaluation. All laboratories classified the variant as uncertain significance. Based on the evidence outlined above, the variant was classified as uncertain significance.

ITMI
No classification provided. Condition: AllHighlyPenetrant. Last evaluated: 2013-09-19. Review status: no classification provided. Collection method: reference population. Allele origin: germline. Not counted in ClinVar's aggregate classification.
Comment: Please see associated publication for description of ethnicities

Literature cited by the submitters: PubMed 30311375 (cited by Quest Diagnostics Nichols Institute San Juan Capistrano); PubMed 33471991 (cited by Quest Diagnostics Nichols Institute San Juan Capistrano); PubMed 31206626 (cited by Quest Diagnostics Nichols Institute San Juan Capistrano); PubMed 35768438 (cited by Quest Diagnostics Nichols Institute San Juan Capistrano); PubMed 29936259 (cited by Quest Diagnostics Nichols Institute San Juan Capistrano); PubMed 31925297 (cited by Quest Diagnostics Nichols Institute San Juan Capistrano); PubMed 36436516 (cited by Quest Diagnostics Nichols Institute San Juan Capistrano and European Reference Network on Genetic Tumour Risk Syndromes (ERN-GENTURIS), i3s - Instituto de Investigação e Inovação em Saúde, University of Porto); PubMed 24728327 (cited by 3 submitters).

NM_004360.5(CDH1):c.2053G>A (p.Val685Met)

Gene: CDH1 (cadherin 1; plus strand). Cytogenetic location: 16q22.1.
Variant type: single nucleotide variant.
Coding change: c.2053G>A on transcript NM_004360.5 (MANE Select); coding-DNA position 2053, G replaced by A.
Protein change: p.Val685Met; replaces valine 685 with methionine.
Molecular consequence: missense variant.
Genome position (GRCh38, 1-based): chr16:68,823,515, G>A. VCF-style: chr16-68823515-G-A. GRCh37 (hg19) VCF-style: chr16-68857418-G-A.
Other names: c.1870G>A, p.Val624Met (NM_001317184.2); c.505G>A, p.Val169Met (NM_001317185.2); c.88G>A, p.Val30Met (NM_001317186.2); c.2053G>A (LRG_301t1); short protein forms V685M, V169M, V624M, V30M.
Identifiers: ClinVar variation 133847 (VCV000133847.29), dbSNP rs550612843, ClinGen allele CA345666.